The following is an entry in ClinVar:

NM_005359.6(SMAD4):c.1140-3A>G

Gene: SMAD4 (SMAD family member 4; plus strand). Cytogenetic location: 18q21.2.
Variant type: single nucleotide variant.
Coding change: c.1140-3A>G on transcript NM_005359.6 (MANE Select); 3 bases into the intron before coding-DNA position 1140, A replaced by G.
Molecular consequence: intron variant.
Genome position (GRCh38, 1-based): chr18:51,067,016, A>G. VCF-style: chr18-51067016-A-G. GRCh37 (hg19) VCF-style: chr18-48593386-A-G.
Identifiers: ClinVar variation 1730995 (VCV001730995.2), dbSNP rs956212866, ClinGen allele CA2580095818.

ClinVar aggregate classification (germline): Uncertain significance (1 of 4 stars; one submission).

Conditions:
Hereditary cancer-predisposing syndrome. Also called: Neoplastic Syndromes, Hereditary; Tumor predisposition; Hereditary Cancer Syndrome; Hereditary neoplastic syndrome. Identifiers: Orphanet 140162, MedGen C0027672, MeSH D009386, MONDO:0015356.
Familial thoracic aortic aneurysm and aortic dissection (TAAD). Also called: Thoracic aortic aneurysms and dissections. Identifiers: Orphanet 91387, MedGen C4707243, MONDO:0019625.

Submission:

Ambry Genetics
Classification: Uncertain significance for Hereditary cancer-predisposing syndrome; Familial thoracic aortic aneurysm and aortic dissection. Last evaluated: 2022-02-15. Review status: criteria provided, single submitter. Criteria: Ambry Variant Classification Scheme 2023. Collection method: clinical testing. Allele origin: germline.
Comment: The c.1140-3A>G intronic variant results from an A to G substitution 3 nucleotides upstream from coding exon 9 in the SMAD4 gene. This nucleotide position is not well conserved in available vertebrate species. In silico splice site analysis predicts that this alteration will result in the creation or strengthening of a novel splice acceptor site; however, direct evidence is insufficient at this time (Ambry internal data). Since supporting evidence is limited at this time, the clinical significance of this alteration remains unclear.